The following is an entry in ClinVar:

NM_015272.5(RPGRIP1L):c.3529C>T (p.Arg1177Ter)

Gene: RPGRIP1L (RPGRIP1 like; minus strand). Cytogenetic location: 16q12.2.
Variant type: single nucleotide variant.
Coding change: c.3529C>T on transcript NM_015272.5 (MANE Select); coding-DNA position 3529, C replaced by T.
Protein change: p.Arg1177Ter; replaces arginine 1177 with a stop codon.
Molecular consequence: nonsense.
Genome position (GRCh38, 1-based): chr16:53,619,112, G>A on the plus strand (C>T on the coding strand, the complement: RPGRIP1L is on the minus strand). VCF-style: chr16-53619112-G-A. GRCh37 (hg19) VCF-style: chr16-53653024-G-A.
Other names: c.3289C>T, p.Arg1097Ter (NM_001127897.4); c.3391C>T, p.Arg1131Ter (NM_001308334.3); c.3427C>T, p.Arg1143Ter (NM_001330538.2); c.3529C>T (NM_015272.4); short protein forms R1097*, R1177*, R1131*, R1143*.
Identifiers: ClinVar variation 217694 (VCV000217694.16), dbSNP rs778533826, ClinGen allele CA277753.

ClinVar aggregate classification (germline): Pathogenic/Likely pathogenic. Review status: criteria provided, multiple submitters, no conflicts (2 of 4 stars). 8 submissions from 8 submitters: Pathogenic (6); Likely pathogenic (1). 1 of the submissions does not count toward it. Last evaluated 2025-08-31.

Conditions:
Joubert syndrome 7 (JBTS7). Identifiers: Orphanet 220497, MedGen C1969053, MONDO:0012694, OMIM 611560.
Meckel syndrome, type 5 (MKS5). Identifiers: Orphanet 564, MedGen C1969052, MONDO:0012695, OMIM 611561.
COACH syndrome 3. Identifiers: MedGen C5436841, MONDO:0030862, OMIM 619113.
RPGRIP1L-related disorder. Also called: RPGRIP1L-related condition; RPGRIP1L-related disorders. Identifiers: MedGen CN239416.
Meckel-Gruber syndrome. Also called: DYSENCEPHALIA SPLANCHNOCYSTICA; Dysencephalia splachnocystica; GRUBER SYNDROME. Identifiers: Orphanet 564, MedGen C0265215, MONDO:0018921.
Joubert syndrome. Also called: Familial aplasia of the vermis; JOUBERT-BOLTSHAUSER SYNDROME. Identifiers: Orphanet 475, MedGen C5979921, MONDO:0018772.
Inborn genetic diseases. Identifiers: MedGen C0950123, MeSH D030342.

Allele frequency attached by ClinVar (database versions not stated): ExAC 0.00002; gnomAD exomes 0.00002.
gnomAD v4.1: 8 of 1,613,926 alleles (0.0005%); highest among the groups gnomAD compares: South Asian, 0.0011%; no homozygotes.

Submissions (8):

Natera, Inc.
Classification: Pathogenic for Joubert syndrome. Last evaluated: 2025-08-31. Review status: criteria provided, single submitter. Criteria: Natera Variant Classification Schema (03/2026). Collection method: clinical testing. Allele origin: germline.
Comment: The c.3529C>T variant in RPGRIP1L is a nonsense variant predicted to introduce a stop codon at amino acid 1177. This variant is expected to result in nonsense mediated decay, truncation, or a dysfunctional protein product. This variant is rare in the general population with a frequency below the threshold expected for the associated phenotype(s). This variant has been observed in one or more individuals affected with the associated recessive disease, as either homozygous or compound heterozygous with a second variant (PMID: 26092869). Given the available evidence, this variant is classified as Pathogenic.

Fulgent Genetics
Classification: Pathogenic for Joubert syndrome 7; Meckel syndrome, type 5; COACH syndrome 3. Last evaluated: 2024-02-05. Review status: criteria provided, single submitter. Criteria: ACMG Guidelines, 2015. Collection method: clinical testing. Allele origin: germline.

Labcorp Genetics (formerly Invitae), Labcorp
Classification: Pathogenic for Joubert syndrome; Meckel-Gruber syndrome. Last evaluated: 2023-10-30. Review status: criteria provided, single submitter. Criteria: Invitae Variant Classification Sherloc (09022015). Collection method: clinical testing. Allele origin: germline.
Comment: This sequence change creates a premature translational stop signal (p.Arg1177*) in the RPGRIP1L gene. It is expected to result in an absent or disrupted protein product. Loss-of-function variants in RPGRIP1L are known to be pathogenic (PMID: 17558409). This variant is present in population databases (rs778533826, gnomAD 0.003%). This premature translational stop signal has been observed in individual(s) with clinical features of Joubert syndrome (PMID: 26092869). ClinVar contains an entry for this variant (Variation ID: 217694). For these reasons, this variant has been classified as Pathogenic.

Ambry Genetics
Classification: Pathogenic for Inborn genetic diseases. Last evaluated: 2022-07-21. Review status: criteria provided, single submitter. Criteria: Ambry Variant Classification Scheme 2023. Collection method: clinical testing. Allele origin: germline.
Comment: The c.3529C>T (p.R1177*) alteration, located in exon 24 (coding exon 23) of the RPGRIP1L gene, consists of a C to T substitution at nucleotide position 3529. This changes the amino acid from a arginine (R) to a stop codon at amino acid position 1177. This alteration is expected to result in loss of function by premature protein truncation or nonsense-mediated mRNA decay. Based on data from gnomAD, the T allele has an overall frequency of <0.01% (4/251476) total alleles studied. The highest observed frequency was <0.01% (1/30616) of South Asian alleles. This variant was identified in one individual with Joubert syndrome in conjunction with a second RPGRIP1L variant (Bachmann-Gagescu, 2015). Based on the available evidence, this alteration is classified as pathogenic.

GeneDx
Classification: Pathogenic. Last evaluated: 2022-07-08. Review status: criteria provided, single submitter. Criteria: GeneDx Variant Classification Process June 2021. Collection method: clinical testing. Allele origin: germline. Affected: yes.
Comment: Nonsense variant predicted to result in protein truncation or nonsense mediated decay in a gene for which loss of function is a known mechanism of disease; Not observed at significant frequency in large population cohorts (gnomAD); This variant is associated with the following publications: (PMID: 26092869)

Blueprint Genetics
Classification: Likely pathogenic for RPGRIP1L-related disorders. Last evaluated: 2021-10-15. Review status: criteria provided, single submitter. Criteria: ACMG Guidelines, 2015. Collection method: clinical testing. Allele origin: germline. Affected: yes. Observed: 1 variant allele.

UW Hindbrain Malformation Research Program, University of Washington
Classification: Pathogenic for Joubert syndrome 7. Last evaluated: 2015-02-23. Review status: criteria provided, single submitter. Criteria: Bachmann-Gagescu et al. (J Med Genet. 2015). Collection method: research. Allele origin: unknown. Affected: yes.

PreventionGenetics, part of Exact Sciences
Classification: Likely pathogenic for RPGRIP1L-related condition. Last evaluated: 2024-08-06. Review status: no assertion criteria provided. Collection method: clinical testing. Allele origin: germline. Not counted in ClinVar's aggregate classification.
Comment: The RPGRIP1L c.3529C>T variant is predicted to result in premature protein termination (p.Arg1177*). This variant was reported in conjunction with a second RPGRIP1L variant in an individual with Joubert syndrome (Table S5. Bachmann-Gagescu et al. 2015. PubMed ID: 26092869). This variant was also identified in individuals with Meckel syndrome (Table S3. Hanany et al. 2020. PubMed ID: 31964843). This variant is reported in 0.0033% of alleles in individuals of South Asian descent in gnomAD. Nonsense variants in RPGRIP1L are expected to be pathogenic. This variant is interpreted as likely pathogenic.

Literature cited by the submitters: PubMed 26092869 (cited by 3 submitters); PubMed 17558409 (cited by Labcorp Genetics (formerly Invitae), Labcorp).